The following is an entry in ClinVar:

NM_001378454.1(ALMS1):c.871A>G (p.Ser291Gly)

Gene: ALMS1 (ALMS1 centrosome and basal body associated protein; plus strand). Cytogenetic location: 2p13.1.
Variant type: single nucleotide variant.
Coding change: c.871A>G on transcript NM_001378454.1 (MANE Select); coding-DNA position 871, A replaced by G.
Protein change: p.Ser291Gly; replaces serine 291 with glycine.
Molecular consequence: missense variant.
Genome position (GRCh38, 1-based): chr2:73,424,536, A>G. VCF-style: chr2-73424536-A-G. GRCh37 (hg19) VCF-style: chr2-73651664-A-G.
Other names: c.874A>G, p.Ser292Gly (NM_015120.4); short protein forms S291G, S292G.
Identifiers: ClinVar variation 1489815 (VCV001489815.3), dbSNP rs2103714771, ClinGen allele CA347260707.
Genomic context (GRCh38, chr2:73,424,536, plus strand): 5'-TCGGAAGTTAGTGAAGCTTTATTCCAGGCTACTGCAGAAGTAGCTTCAGACTTAGCAAGC[A>G]GTCGCTTTAGTGTATCTCAGCACCCGCTTATAGGCAGCACAGCTGTTGGGTCTCAGTGCC-3'
Protein context (NP_001365383.1, residues 281-301): TAEVASDLAS[Ser291Gly]RFSVSQHPLI

ClinVar aggregate classification (germline): Uncertain significance (1 of 4 stars; one submission).

Conditions:
Alstrom syndrome (ALMS). Identifiers: Orphanet 64, MedGen C0268425, MONDO:0008763, OMIM 203800.

Allele frequency attached by ClinVar (database versions not stated): gnomAD exomes below 0.00001.
gnomAD v4.1: 1 of 1,612,012 alleles (0.000062%); highest among the groups gnomAD compares: African/African-American, 0.0013%; no homozygotes.

Submission:

Labcorp Genetics (formerly Invitae), Labcorp
Classification: Uncertain significance for Alstrom syndrome. Last evaluated: 2021-03-23. Review status: criteria provided, single submitter. Criteria: Invitae Variant Classification Sherloc (09022015). Collection method: clinical testing. Allele origin: germline.
Comment: This sequence change replaces serine with glycine at codon 292 of the ALMS1 protein (p.Ser292Gly). The serine residue is moderately conserved and there is a small physicochemical difference between serine and glycine. This variant is not present in population databases (ExAC no frequency). This variant has not been reported in the literature in individuals with ALMS1-related conditions. Experimental studies and prediction algorithms are not available or were not evaluated, and the functional significance of this variant is currently unknown. In summary, the available evidence is currently insufficient to determine the role of this variant in disease. Therefore, it has been classified as a Variant of Uncertain Significance.